The following is an entry in ClinVar:

NM_004958.4(MTOR):c.3561+5G>A

Gene: MTOR (mechanistic target of rapamycin kinase; minus strand). Cytogenetic location: 1p36.22.
Variant type: single nucleotide variant.
Coding change: c.3561+5G>A on transcript NM_004958.4 (MANE Select); 5 bases into the intron after coding-DNA position 3561, G replaced by A.
Molecular consequence: intron variant.
Genome position (GRCh38, 1-based): chr1:11,212,307, C>T on the plus strand (G>A on the coding strand, the complement: MTOR is on the minus strand). VCF-style: chr1-11212307-C-T. GRCh37 (hg19) VCF-style: chr1-11272364-C-T.
Other names: c.2313+5G>A (NM_001386501.1); c.3561+5G>A (NM_001386500.1).
Identifiers: ClinVar variation 2028337 (VCV002028337.4), dbSNP rs2100792665, ClinGen allele CA2580061201.

ClinVar aggregate classification (germline): Uncertain significance (1 of 4 stars; one submission).

Submission:

Labcorp Genetics (formerly Invitae), Labcorp
Classification: Uncertain significance. Last evaluated: 2022-09-01. Review status: criteria provided, single submitter. Criteria: Invitae Variant Classification Sherloc (09022015). Collection method: clinical testing. Allele origin: germline.
Comment: Variants that disrupt the consensus splice site are a relatively common cause of aberrant splicing (PMID: 17576681, 9536098). Algorithms developed to predict the effect of sequence changes on RNA splicing suggest that this variant is not likely to affect RNA splicing. In summary, the available evidence is currently insufficient to determine the role of this variant in disease. Therefore, it has been classified as a Variant of Uncertain Significance. This variant has not been reported in the literature in individuals affected with MTOR-related conditions. This variant is not present in population databases (gnomAD no frequency). This sequence change falls in intron 23 of the MTOR gene. It does not directly change the encoded amino acid sequence of the MTOR protein. It affects a nucleotide within the consensus splice site.

Literature cited by the submitters: PubMed 17576681; PubMed 9536098.